The following is an entry in ClinVar:

NM_004364.5(CEBPA):c.929C>G (p.Thr310Arg)

Gene: CEBPA (CCAAT enhancer binding protein alpha; minus strand). Cytogenetic location: 19q13.11.
Variant type: single nucleotide variant.
Coding change: c.929C>G on transcript NM_004364.5 (MANE Select); coding-DNA position 929, C replaced by G.
Protein change: p.Thr310Arg; replaces threonine 310 with arginine.
Molecular consequence: missense variant.
Genome position (GRCh38, 1-based): chr19:33,301,486, G>C on the plus strand (C>G on the coding strand, the complement: CEBPA is on the minus strand). VCF-style: chr19-33301486-G-C. GRCh37 (hg19) VCF-style: chr19-33792392-G-C.
Other names: c.572C>G, p.Thr191Arg (NM_001285829.2); c.1034C>G, p.Thr345Arg (NM_001287424.2); c.887C>G, p.Thr296Arg (NM_001287435.2); short protein forms T296R, T191R, T310R, T345R.
Identifiers: ClinVar variation 4000016 (VCV004000016.1).

ClinVar aggregate classification (germline): Uncertain significance (1 of 4 stars; one submission).

Conditions:
Inborn genetic diseases. Identifiers: MedGen C0950123, MeSH D030342.

Submission:

Ambry Genetics
Classification: Uncertain significance for Inborn genetic diseases. Last evaluated: 2025-05-23. Review status: criteria provided, single submitter. Criteria: Ambry Variant Classification Scheme 2023. Collection method: clinical testing. Allele origin: germline.
Comment: The p.T310R variant (also known as c.929C>G), located in coding exon 1 of the CEBPA gene, results from a C to G substitution at nucleotide position 929. The threonine at codon 310 is replaced by arginine, an amino acid with similar properties. This amino acid position is conserved. In addition, the in silico prediction for this alteration is inconclusive. Based on the available evidence, the clinical significance of this variant remains unclear.